The following is an entry in ClinVar:

ClinVar aggregate classification (germline): Uncertain significance (1 of 4 stars; one submission).

Conditions:
Chuvash polycythemia. Also called: POLYCYTHEMIA, VHL-DEPENDENT. Identifiers: Orphanet 238557, MedGen C1837915, MONDO:0009892, OMIM 263400.
Von Hippel-Lindau syndrome (VHLS). Also called: von Hippel–Lindau syndrome; VHL syndrome; Von Hippel-Lindau. Identifiers: Orphanet 892, MedGen C0019562, MONDO:0008667, OMIM 193300. Disease mechanism: loss of function.

gnomAD v4.1: 3 of 1,613,512 alleles (0.00019%); highest among the groups gnomAD compares: Non-Finnish European, 0.00025%; no homozygotes.

Submission:

Labcorp Genetics (formerly Invitae), Labcorp
Classification: Uncertain significance for Von Hippel-Lindau syndrome; Chuvash polycythemia. Last evaluated: 2025-08-15. Review status: criteria provided, single submitter. Criteria: Invitae Variant Classification Sherloc (09022015). Collection method: clinical testing. Allele origin: germline.
Comment: This sequence change replaces glycine, which is neutral and non-polar, with valine, which is neutral and non-polar, at codon 212 of the VHL protein (p.Gly212Val). This variant is not present in population databases (gnomAD no frequency). This variant has not been reported in the literature in individuals affected with VHL-related conditions. Invitae Evidence Modeling of protein sequence and biophysical properties (such as structural, functional, and spatial information, amino acid conservation, physicochemical variation, residue mobility, and thermodynamic stability) has been performed for this missense variant. However, the output from this modeling did not meet the statistical confidence thresholds required to predict the impact of this variant on VHL protein function. RNA analysis performed to evaluate the impact of this missense change on mRNA splicing indicates it does not significantly alter splicing (internal data). In summary, the available evidence is currently insufficient to determine the role of this variant in disease. Therefore, it has been classified as a Variant of Uncertain Significance.

NM_000551.4(VHL):c.635G>T (p.Gly212Val)

Genes: VHL (von Hippel-Lindau tumor suppressor; plus strand), LOC107303340 (3p25 von Hippel-Lindau tumor suppressor, E3 ubiquitin protein ligase Alu-mediated recombination region; plus strand). Cytogenetic location: 3p25.3.
Variant type: single nucleotide variant.
Coding change: c.635G>T on transcript NM_000551.4 (MANE Select); coding-DNA position 635, G replaced by T.
Protein change: p.Gly212Val; replaces glycine 212 with valine.
Molecular consequence: missense variant. On other transcripts: 3 prime UTR variant (1), non-coding transcript variant (1).
Genome position (GRCh38, 1-based): chr3:10,149,958, G>T. VCF-style: chr3-10149958-G-T. GRCh37 (hg19) VCF-style: chr3-10191642-G-T.
Other names: c.*189G>T (NM_001354723.2); c.512G>T, p.Gly171Val (NM_198156.3); short protein forms G171V, G212V.
Identifiers: ClinVar variation 4793419 (VCV004793419.1).